The following is an entry in ClinVar:

ClinVar aggregate classification (germline): Uncertain significance. Review status: criteria provided, multiple submitters, no conflicts (2 of 4 stars). 2 submissions from 2 submitters: Uncertain significance (2). Last evaluated 2025-08-04.

Conditions:
Hereditary cancer-predisposing syndrome. Also called: Neoplastic Syndromes, Hereditary; Tumor predisposition; Hereditary Cancer Syndrome; Hereditary neoplastic syndrome. Identifiers: Orphanet 140162, MedGen C0027672, MeSH D009386, MONDO:0015356.

Submissions (2):

Color Diagnostics, LLC DBA Color Health
Classification: Uncertain significance for Hereditary cancer-predisposing syndrome. Last evaluated: 2025-08-04. Review status: criteria provided, single submitter. Criteria: ACMG Guidelines, 2015. Collection method: clinical testing. Allele origin: germline.
Comment: This missense variant replaces glutamine with histidine at codon 532 of the APC protein. Computational prediction is inconclusive regarding the impact of this variant on protein structure and function. To our knowledge, functional studies have not been reported for this variant. This variant has not been reported in individuals affected with APC-related disorders in the literature. This variant has not been identified in the general population by the Genome Aggregation Database (gnomAD). The available evidence is insufficient to determine the role of this variant in disease conclusively. Therefore, this variant is classified as a Variant of Uncertain Significance.

Ambry Genetics
Classification: Uncertain significance for Hereditary cancer-predisposing syndrome. Last evaluated: 2022-04-19. Review status: criteria provided, single submitter. Criteria: Ambry Variant Classification Scheme 2023. Collection method: clinical testing. Allele origin: germline.
Comment: The p.Q532H variant (also known as c.1596A>C), located in coding exon 12 of the APC gene, results from an A to C substitution at nucleotide position 1596. The glutamine at codon 532 is replaced by histidine, an amino acid with highly similar properties. This amino acid position is conserved. In addition, in silico predictors for this gene do not accurately predict pathogenicity. Since supporting evidence is limited at this time, the clinical significance of this alteration remains unclear.

NM_000038.6(APC):c.1596A>C (p.Gln532His)

Gene: APC (APC regulator of Wnt signaling pathway; plus strand). Cytogenetic location: 5q22.2.
Variant type: single nucleotide variant.
Coding change: c.1596A>C on transcript NM_000038.6 (MANE Select); coding-DNA position 1596, A replaced by C.
Protein change: p.Gln532His; replaces glutamine 532 with histidine.
Molecular consequence: missense variant.
Genome position (GRCh38, 1-based): chr5:112,827,976, A>C. VCF-style: chr5-112827976-A-C. GRCh37 (hg19) VCF-style: chr5-112163673-A-C.
Other names: c.1596A>C, p.Gln532His (NM_001127510.3, NM_001354895.2, NM_001407450.1); c.1542A>C, p.Gln514His (NM_001127511.3); c.1650A>C, p.Gln550His (NM_001354896.2, NM_001407447.1, NM_001407448.1 and 1 more transcripts); c.1626A>C, p.Gln542His (NM_001354897.2); c.1521A>C, p.Gln507His (NM_001354898.2); c.1512A>C, p.Gln504His (NM_001354899.2); c.1473A>C, p.Gln491His (NM_001354900.2); c.1419A>C, p.Gln473His (NM_001354901.2, NM_001407453.1); and 11 more; short protein forms Q148H, Q431H, Q441H, Q449H, Q504H, Q507H, Q525H, Q532H.
Identifiers: ClinVar variation 1776007 (VCV001776007.4), dbSNP rs1331131200, ClinGen allele CA16024790.